The following is an entry in ClinVar:

NM_003388.5(CLIP2):c.2421C>G (p.His807Gln)

Gene: CLIP2 (CAP-Gly domain containing linker protein 2; plus strand). Cytogenetic location: 7q11.23.
Variant type: single nucleotide variant.
Coding change: c.2421C>G on transcript NM_003388.5 (MANE Select); coding-DNA position 2421, C replaced by G.
Protein change: p.His807Gln; replaces histidine 807 with glutamine.
Molecular consequence: missense variant.
Genome position (GRCh38, 1-based): chr7:74,376,822, C>G. VCF-style: chr7-74376822-C-G. GRCh37 (hg19) VCF-style: chr7-73791152-C-G.
Other names: c.2316C>G, p.His772Gln (NM_032421.3); short protein forms H772Q, H807Q.
Identifiers: ClinVar variation 2657592 (VCV002657592.24), dbSNP rs547091070, ClinGen allele CA4296003.

ClinVar aggregate classification (germline): Likely benign (1 of 4 stars; one submission).

Allele frequency attached by ClinVar (database versions not stated): ExAC 0.00004; 1000 Genomes Project 30x 0.00016; 1000 Genomes Project 0.00020.
gnomAD v4.1: 44 of 1,576,024 alleles (0.0028%); highest among the groups gnomAD compares: Admixed American, 0.029%; no homozygotes.

Submission:

CeGaT Center for Human Genetics Tuebingen
Classification: Likely benign. Last evaluated: 2026-09-01. Review status: criteria provided, single submitter. Criteria: CeGaT Center For Human Genetics Tuebingen Variant Classification Criteria Version 2. Collection method: clinical testing. Allele origin: germline. Affected: yes. Observed: 4 variant alleles.
Comment: CLIP2: BP4